The following is an entry in ClinVar:

NM_000222.3(KIT):c.2912T>C (p.Leu971Pro)

Gene: KIT (KIT proto-oncogene, receptor tyrosine kinase; plus strand). Cytogenetic location: 4q12.
Variant type: single nucleotide variant.
Coding change: c.2912T>C on transcript NM_000222.3 (MANE Select); coding-DNA position 2912, T replaced by C.
Protein change: p.Leu971Pro; replaces leucine 971 with proline.
Molecular consequence: missense variant.
Genome position (GRCh38, 1-based): chr4:54,738,538, T>C. VCF-style: chr4-54738538-T-C. GRCh37 (hg19) VCF-style: chr4-55604704-T-C.
Other names: c.2900T>C, p.Leu967Pro (NM_001093772.2, NM_001385292.1); c.2915T>C, p.Leu972Pro (NM_001385284.1); c.2909T>C, p.Leu970Pro (NM_001385285.1); c.2897T>C, p.Leu966Pro (NM_001385286.1); c.2903T>C, p.Leu968Pro (NM_001385288.1); c.2912T>C, p.Leu971Pro (NM_001385290.1); short protein forms L971P, L967P, L966P, L968P, L970P, L972P.
Identifiers: ClinVar variation 572486 (VCV000572486.11), dbSNP rs929287265, ClinGen allele CA96883801.
Genomic context (GRCh38, chr4:54,738,538, plus strand): 5'-TAGACCATTCTGTGCGGATCAATTCTGTCGGCAGCACCGCTTCCTCCTCCCAGCCTCTGC[T>C]TGTGCACGACGATGTCTGAGCAGAATCAGTGTTTGGGTCACCCCTCCAGGAATGATCTCT-3'
Protein context (NP_000213.1, residues 961-976): GSTASSSQPL[Leu971Pro]VHDDV

ClinVar aggregate classification (germline): Uncertain significance. Review status: criteria provided, multiple submitters, no conflicts (2 of 4 stars). 2 submissions from 2 submitters: Uncertain significance (2). Last evaluated 2025-10-28.

Conditions:
Gastrointestinal stromal tumor. Also called: Gastrointestinal stromal tumor, somatic; Gastrointestinal stroma tumor. Identifiers: Orphanet 44890, MedGen C0238198, MeSH D046152, MONDO:0011719, OMIM 606764, HP:0100723.
Hereditary cancer-predisposing syndrome. Also called: Hereditary neoplastic syndrome; Neoplastic Syndromes, Hereditary; Hereditary Cancer Syndrome; Tumor predisposition. Identifiers: Orphanet 140162, MedGen C0027672, MeSH D009386, MONDO:0015356.

Submissions (2):

Labcorp Genetics (formerly Invitae), Labcorp
Classification: Uncertain significance for Gastrointestinal stromal tumor. Last evaluated: 2025-10-28. Review status: criteria provided, single submitter. Criteria: Invitae Variant Classification Sherloc (09022015). Collection method: clinical testing. Allele origin: germline.
Comment: This sequence change replaces leucine, which is neutral and non-polar, with proline, which is neutral and non-polar, at codon 971 of the KIT protein (p.Leu971Pro). This variant is not present in population databases (gnomAD no frequency). This variant has not been reported in the literature in individuals affected with KIT-related conditions. ClinVar contains an entry for this variant (Variation ID: 572486). An algorithm developed to predict the effect of missense changes on protein structure and function (PolyPhen-2) suggests that this variant is likely to be disruptive. In summary, the available evidence is currently insufficient to determine the role of this variant in disease. Therefore, it has been classified as a Variant of Uncertain Significance.

Ambry Genetics
Classification: Uncertain significance for Hereditary cancer-predisposing syndrome. Last evaluated: 2023-07-16. Review status: criteria provided, single submitter. Criteria: Ambry Variant Classification Scheme 2023. Collection method: clinical testing. Allele origin: germline.
Comment: The p.L971P variant (also known as c.2912T>C), located in coding exon 21 of the KIT gene, results from a T to C substitution at nucleotide position 2912. The leucine at codon 971 is replaced by proline, an amino acid with similar properties. This amino acid position is conserved. In addition, the in silico prediction for this alteration is inconclusive. Since supporting evidence is limited at this time, the clinical significance of this alteration remains unclear.